The following is an entry in ClinVar:

NM_000521.4(HEXB):c.298del (p.Arg100fs)

Gene: HEXB (hexosaminidase subunit beta; plus strand). Cytogenetic location: 5q13.3.
Variant type: Deletion.
Coding change: c.298del on transcript NM_000521.4 (MANE Select); coding-DNA position 298, one base deleted (C; older notation c.298delC).
Protein change: p.Arg100fs; shifts the reading frame from arginine 100.
Molecular consequence: frameshift variant. On other transcripts: intron variant (1).
Genome position (GRCh38, 1-based): chr5:74,685,558, C deleted. VCF-style (leftmost placement, unchanged base first): chr5-74685557-AC-A. GRCh37 (hg19) VCF-style: chr5-73981382-AC-A.
Other names: c.-376-3770del (NM_001292004.2); short protein forms R100fs.
Identifiers: ClinVar variation 265360 (VCV000265360.10), dbSNP rs886039499, ClinGen allele CA10588404.

ClinVar aggregate classification (germline): Pathogenic. Review status: criteria provided, multiple submitters, no conflicts (2 of 4 stars). 3 submissions from 3 submitters: Pathogenic (2). 1 of the submissions does not count toward it. Last evaluated 2023-05-27.

Conditions:
Sandhoff disease. Also called: HEXOSAMINIDASES A AND B DEFICIENCY; GM2-GANGLIOSIDOSIS, TYPE II; Beta-hexosaminidase-beta-subunit deficiency; GM2 gangliosidosis, type 2; Total hexosaminidase deficiency; Sandhoff-Jatzkewitz-Pilz disease. Identifiers: Orphanet 796, MedGen C0036161, MONDO:0010006, OMIM 268800.

Submissions (3):

Labcorp Genetics (formerly Invitae), Labcorp
Classification: Pathogenic for Sandhoff disease. Last evaluated: 2023-05-27. Review status: criteria provided, single submitter. Criteria: Invitae Variant Classification Sherloc (09022015). Collection method: clinical testing. Allele origin: germline.
Comment: This sequence change creates a premature translational stop signal (p.Arg100Aspfs*54) in the HEXB gene. It is expected to result in an absent or disrupted protein product. Loss-of-function variants in HEXB are known to be pathogenic (PMID: 7550345, 18758829). This variant is not present in population databases (gnomAD no frequency). ClinVar contains an entry for this variant (Variation ID: 265360). For these reasons, this variant has been classified as Pathogenic. This premature translational stop signal has been observed in individual(s) with Sandhoff disease (PMID: 30065954).

GeneDx
Classification: Pathogenic. Last evaluated: 2016-08-16. Review status: criteria provided, single submitter. Criteria: GeneDx Variant Classification (06012015). Collection method: clinical testing. Allele origin: germline. Affected: yes.
Comment: The c.298delC pathogenic variant in the HEXB gene has not been reported previously as a pathogenic variant, nor as a benign variant, to our knowledge. The c.298deC variant causes a frameshift starting with codon Arginine 100, changes this amino acid to an Aspartic Acid residue, and creates a premature Stop codon at position 54 of the new reading frame, denoted p.Arg100AspfsX54. This variant is predicted to cause loss of normal protein function either through protein truncation or nonsense-mediated mRNA decay. The c.298delC variant was not observed in approximately 6,500 individuals of European and African American ancestry in the NHLBI Exome Sequencing Project, indicating it is not a common benign variant in these populations. We interpret c.298delC as a pathogenic variant.

Counsyl
Classification: Likely pathogenic for Sandhoff disease. Last evaluated: 2017-08-01. Review status: no assertion criteria provided. Collection method: clinical testing. Allele origin: unknown. Not counted in ClinVar's aggregate classification.

Literature cited by the submitters: PubMed 7550345 (cited by Labcorp Genetics (formerly Invitae), Labcorp); PubMed 18758829 (cited by Labcorp Genetics (formerly Invitae), Labcorp); PubMed 30065954 (cited by Labcorp Genetics (formerly Invitae), Labcorp).